The following is an entry in ClinVar:

NM_000506.5(F2):c.677C>T (p.Ala226Val)

Gene: F2 (coagulation factor II, thrombin; plus strand). Cytogenetic location: 11p11.2.
Variant type: single nucleotide variant.
Coding change: c.677C>T on transcript NM_000506.5 (MANE Select); coding-DNA position 677, C replaced by T.
Protein change: p.Ala226Val; replaces alanine 226 with valine.
Molecular consequence: missense variant.
Genome position (GRCh38, 1-based): chr11:46,725,976, C>T. VCF-style: chr11-46725976-C-T. GRCh37 (hg19) VCF-style: chr11-46747526-C-T.
Other names: short protein forms A226V.
Identifiers: ClinVar variation 4084524 (VCV004084524.8).

ClinVar aggregate classification (germline): Uncertain significance (1 of 4 stars; one submission).

gnomAD v4.1: 9 of 1,613,930 alleles (0.00056%); highest among the groups gnomAD compares: Admixed American, 0.0017%; no homozygotes.

Submission:

CeGaT Center for Human Genetics Tuebingen
Classification: Uncertain significance. Last evaluated: 2025-09-01. Review status: criteria provided, single submitter. Criteria: CeGaT Center For Human Genetics Tuebingen Variant Classification Criteria Version 2. Collection method: clinical testing. Allele origin: germline. Affected: yes. Observed: 1 variant allele.
Comment: F2: PM2